The following continues an entry in ClinVar:

NM_000552.5(VWF):c.2561G>A (p.Arg854Gln)

Gene: VWF. ClinVar aggregate classification (germline): Pathogenic. Pathogenic (1).

Submissions 22 to 36 of 55:

Victorian Clinical Genetics Services, Murdoch Childrens Research Institute
Classification: Pathogenic for von Willebrand disease type 1. Last evaluated: 2023-07-17. Review status: criteria provided, single submitter. Criteria: ACMG Guidelines, 2015. Collection method: clinical testing. Allele origin: germline. Inheritance: Autosomal dominant inheritance. Affected: no. Not counted in ClinVar's aggregate classification.
Comment: Based on the classification scheme VCGS_Germline_v1.3.4, this variant is classified as Pathogenic. Following criteria are met: 0103 - Dominant negative and loss of function are known mechanisms of disease in this gene and are associated with von Willebrand disease (OMIM). (I) 0108 - This gene is associated with both recessive and dominant disease. von Willebrand disease can be both dominantly and recessively inherited, and is categorised into six different types: 1 (MIM#193400), 2A, 2B, 2M, 2N (MIM#613554) and 3 (MIM#277480). (I) 0112 - The condition associated with this gene has incomplete penetrance (PMID: 19372260). (I) 0115 - Variants in this gene are known to have variable expressivity (PMID: 19372260). (I) 0200 - Variant is predicted to result in a missense amino acid change from arginine to glutamine. (I) 0251 - This variant is heterozygous. (I) 0304 - Variant is present in gnomAD (v2) <0.01 (970 heterozygotes, 5 homozygotes). (SP) 0309 - An alternative amino acid change at the same position has been observed in gnomAD (v2) (5 heterozygotes, 0 homozygotes). (I) 0502 - Missense variant with conflicting in silico predictions and high conservation. (I) 0604 - Variant is not located in an established domain, motif, hotspot or informative constraint region. (I) 0801 - This variant has very strong previous evidence of pathogenicity in unrelated individuals. This variant is most commonly reported in individuals with type 2N von Willebrand disease, primarily associated with autosomal recessive inheritance, however autosomal dominant inheritance and type 1 has also been reported (PMIDs: 28987708, 29115006). (SP) 1002 - This variant has moderate functional evidence supporting abnormal protein function. Murine mutant cDNA transfected into HEK293T cells demonstrated impaired VWF synthesis and secretion (PMID: 28581694). (SP) 1208 - Inheritance information for this variant is not currently available in this individual. (I) Legend: (SP) - Supporting pathogenic, (I) - Information, (SB) - Supporting benign

New York Genome Center
Classification: Pathogenic for von Willebrand disease type 1; von Willebrand disease type 3; von Willebrand disease type 2. Last evaluated: 2023-05-03. Review status: criteria provided, single submitter. Criteria: NYGC Assertion Criteria 2020. Collection method: clinical testing. Allele origin: inherited. Observed: 1 heterozygote. Not counted in ClinVar's aggregate classification.

Institute of Immunology and Genetics Kaiserslautern
Classification: Pathogenic for von Willebrand disease type 3. Last evaluated: 2023-01-05. Review status: criteria provided, single submitter. Criteria: ACMG Guidelines, 2015. Collection method: clinical testing. Allele origin: germline. Affected: yes. Not counted in ClinVar's aggregate classification.
Comment: ACMG Criteria: PS3, PS4, PM3, PM5_P, PP4, PP5; Variant found in a heterozygous state

Variantyx, Inc.
Classification: Pathogenic for von Willebrand disease type 2N. Last evaluated: 2022-11-04. Review status: criteria provided, single submitter. Criteria: Variantyx Assertion Criteria 2022. Collection method: clinical testing. Allele origin: germline. Inheritance: Autosomal recessive inheritance. Not counted in ClinVar's aggregate classification.
Comment: This is a nonsynonymous variant in the VWF gene (OMIM 613160). Pathogenic variants in this gene have been associated with autosomal dominant and autosomal recessive von Willebrand disease (VWD). This variant, also known as p.Arg91Gln, is the most common pathogenic variant associated with autosomal recessive VWD type 2N (VWD2N) (PMID: 15461624, 1832934, 21371195, 22875612, 26764160 31064749, 34355501) (PM3_Very Strong). Functional studies have shown that this variant alters VWF protein function (PMID: 12176890, 1918030, 31349985) (PS3). Multiple computational algorithms predict a deleterious effect for this substitution (PP3). This variant has a 0.6055% maximum allele frequency in non-founder control populations. Based on the current evidence, this variant is classified as pathogenic for autosomal recessive VWD2N.

Mendelics
Classification: Pathogenic for von Willebrand disease type 1. Last evaluated: 2022-05-04. Review status: criteria provided, single submitter. Criteria: Mendelics Assertion Criteria 2019. Collection method: clinical testing. Allele origin: germline. Not counted in ClinVar's aggregate classification.

Laboratory of Hematology, Radboud University Medical Center
Classification: Pathogenic for von Willebrand disease type 2. Last evaluated: 2021-12-09. Review status: criteria provided, single submitter. Criteria: ACMG Guidelines, 2015. Collection method: research. Allele origin: germline. Affected: yes. Observed: 7 variant alleles. Study: WIN study. Not counted in ClinVar's aggregate classification.

Institute of Human Genetics, Clinical Exome/Genome Diagnostics Group, University Hospital Bonn
Classification: Likely pathogenic for von Willebrand disease type 2. Last evaluated: 2021-11-26. Review status: criteria provided, single submitter. Criteria: ACMG Guidelines, 2015. Collection method: clinical testing. Allele origin: inherited. Affected: yes. Not counted in ClinVar's aggregate classification.
Comment: PS1_moderate, PS3, PM1

Institute for Clinical Genetics, University Hospital TU Dresden, University Hospital TU Dresden
Classification: Pathogenic. Last evaluated: 2021-11-03. Review status: criteria provided, single submitter. Criteria: ACMG Guidelines, 2015. Collection method: clinical testing. Allele origin: germline. Not counted in ClinVar's aggregate classification.

Genetics and Molecular Pathology, SA Pathology
Classification: Pathogenic for von Willebrand disease type 1. Last evaluated: 2020-07-13. Review status: criteria provided, single submitter. Criteria: ACMG Guidelines, 2015. Collection method: clinical testing. Allele origin: germline. Not counted in ClinVar's aggregate classification.
Comment: The VWF c.2561G>A variant is classified as Pathogenic (PS3, PS4, PP1, PP2, PP3, PP5)

Johns Hopkins Genomics, Johns Hopkins University
Classification: Pathogenic for von Willebrand disease type 2. Last evaluated: 2020-02-10. Review status: criteria provided, single submitter. Criteria: ACMG Guidelines, 2015. Collection method: clinical testing. Allele origin: germline. Not counted in ClinVar's aggregate classification.
Comment: c.2561G>A (p.Arg854Gln) has been reported in the literature associated with von Willebrand disease, type 2N and functional analysis supports the deleterious nature of this variant. Additionally, this variant (rs41276738) is more prevalent in affected individuals than the healthy population (gnomAD: 980/282824 total alleles; 0.3465%; 5 homozygotes). Sixteen submitters in ClinVar classify this variant as either pathogenic or likely pathogenic. We consider this variant to be pathogenic.

Versiti Diagnostic Laboratories, Versiti, Inc
Classification: Pathogenic for von Willebrand disease type 2N. Last evaluated: 2019-11-11. Review status: criteria provided, single submitter. Criteria: Versiti Assertion Criteria. Collection method: clinical testing. Allele origin: germline. Affected: yes. Observed: 34 variant alleles. Not counted in ClinVar's aggregate classification.
Comment: The missense variant VWF c.2561G>A, p.Arg854Gln (p.R854Q) in exon 20 changes amino acid arginine at codon 854 to glutamine. The arginine at this residue is highly conserved among species. This amino acid change occurs in the D'D3 domain of the VWF protein, a functional domain that binds factor VIII (Springer, 2014). Pathogenic variants in VWF are associated with autosomal dominant or autosomal recessive von Willebrand disease (VWD), characterized by quantitative or qualitative deficiencies in von Willebrand factor and resulting in prolonged bleeding. Pathogenic missense variants in the D'D3 domain have been shown to cause autosomal recessive type 2N VWD, characterized by low plasma factor VIII levels and a laboratory phenotype that can initially resemble hemophilia A. This sequence variant has is one of the most common reported variants in patients with type 2N VWD (Hilbert, 2004; Goodeve, 2007; Veyradier, 2011; van Meegeren, 2015; Borras, 2017). Functional studies of p.R854Q mutant in mamalian cells showed decreased FVIII binding (Hilbert, 2004; Swystun, 2017). The minor allele frequency of this variant in the general population is 0.003465 (gnomAD). In summary, the collective evidence supports VWF c.2561G>A, p.Arg854Gln as a pathogenic variant for type 2N von Willebrand disease.

NIHR Bioresource Rare Diseases, University of Cambridge
Classification: Pathogenic for von Willebrand disorder. Last evaluated: 2019-02-01. Review status: criteria provided, single submitter. Criteria: ACMG Guidelines, 2015. Collection method: research. Allele origin: unknown. Affected: yes. Observed: 5 heterozygotes, 3 compound heterozygotes, 2 homozygotes. Study: ThromboGenomics. Not counted in ClinVar's aggregate classification.

NIHR Bioresource Rare Diseases, University of Cambridge
Classification: Likely pathogenic for Abnormality of coagulation. Last evaluated: 2019-02-01. Review status: criteria provided, single submitter. Criteria: ACMG Guidelines, 2015. Collection method: research. Allele origin: unknown. Affected: yes. Observed: 3 heterozygotes, 2 homozygotes. Study: ThromboGenomics. Not counted in ClinVar's aggregate classification.

Equipe Genetique des Anomalies du Developpement, Université de Bourgogne
Classification: Pathogenic for von Willebrand disease type 2. Last evaluated: 2018-11-21. Review status: criteria provided, single submitter. Criteria: ACMG Guidelines, 2015. Collection method: clinical testing. Allele origin: unknown. Not counted in ClinVar's aggregate classification.

Center for Pediatric Genomic Medicine, Children's Mercy Hospital and Clinics
Classification: Pathogenic. Last evaluated: 2017-04-18. Review status: criteria provided, single submitter. Criteria: ACMG Guidelines, 2015. Collection method: clinical testing. Allele origin: germline. Not counted in ClinVar's aggregate classification.